The following is an entry in ClinVar:

NM_182925.5(FLT4):c.3871C>T (p.His1291Tyr)

Gene: FLT4 (fms related receptor tyrosine kinase 4; minus strand). Cytogenetic location: 5q35.3.
Variant type: single nucleotide variant.
Coding change: c.3871C>T on transcript NM_182925.5 (MANE Select); coding-DNA position 3871, C replaced by T.
Protein change: p.His1291Tyr; replaces histidine 1291 with tyrosine.
Molecular consequence: missense variant.
Genome position (GRCh38, 1-based): chr5:180,608,990, G>A on the plus strand (C>T on the coding strand, the complement: FLT4 is on the minus strand). VCF-style: chr5-180608990-G-A. GRCh37 (hg19) VCF-style: chr5-180035990-G-A.
Other names: c.3871C>T, p.His1291Tyr (NM_001354989.2, NM_002020.5); short protein forms H1291Y.
Identifiers: ClinVar variation 4974649 (VCV004974649.1).
Genomic context (GRCh38, chr5:180,608,990, plus strand): 5'-TCGATACCTGCAGTGCAGGAGGCTCACGAAGCCCTTACCTGAAGCCGCTTTCTTGTCTAT[G>A]CCTGCTCTCTATCTGCTCAAACTCCTCCGAGGCCAGCACCATCCCACTGTCTGTCTGGTT-3'
Protein context (NP_891555.2, residues 1281-1301): SEEFEQIESR[His1291Tyr]RQESGFSCKG

ClinVar aggregate classification (germline): Uncertain significance (1 of 4 stars; one submission).

Conditions:
Congenital heart defects, multiple types, 7. Identifiers: MedGen C5394062, MONDO:0032913, OMIM 618780.
Hereditary lymphedema type I (LMPHM1). Also called: Milroy Disease; Nonne-Milroy disease; Congenital hereditary lymphedema; Early onset lymphedema; Hereditary lymphedema 1; Primary congenital lymphedema. Identifiers: Orphanet 79452, MedGen C1704423, MONDO:0007919, OMIM 153100.

Submission:

Clinical Genomics Laboratory, Washington University in St. Louis
Classification: Uncertain significance for Congenital heart defects, multiple types, 7; Hereditary lymphedema type I. Last evaluated: 2026-04-14. Review status: criteria provided, single submitter. Criteria: ACMG Guidelines, 2015. Collection method: clinical testing. Allele origin: germline.
Comment: A FLT4 c.3871C>T (p.His1291Tyr) variant was identified at an allelic fraction of 33.7%, a frequency which could be representative of either somatic or germline variation. This variant, to our knowledge, has not been reported in the medical literature or the ClinVar database. It is absent from the general population (gnomAD v4.1.1), indicating it is not a common variant. Computational predictors suggest that the variant does not impact FLT4 function. Due to limited information, and based on ACMG/AMP guidelines for variant interpretation (Richards S et al., PMID: 25741868), the clinical significance of this variant is uncertain at this time.

Literature cited by the submitters: uncertain.